The following is an entry in ClinVar:

ClinVar aggregate classification (germline): Likely benign (1 of 4 stars; one submission).

gnomAD v4.1: 1 of 1,614,082 alleles (0.000062%); highest among the groups gnomAD compares: South Asian, 0.0011%; no homozygotes.

Submission:

CeGaT Center for Human Genetics Tuebingen
Classification: Likely benign. Last evaluated: 2024-07-01. Review status: criteria provided, single submitter. Criteria: CeGaT Center For Human Genetics Tuebingen Variant Classification Criteria Version 2. Collection method: clinical testing. Allele origin: germline. Affected: yes. Observed: 1 variant allele.
Comment: COG8: BP4, BP7

NM_032382.5(COG8):c.1065C>G (p.Ser355=)

Gene: COG8 (component of oligomeric golgi complex 8; minus strand). Cytogenetic location: 16q22.1.
Variant type: single nucleotide variant.
Coding change: c.1065C>G on transcript NM_032382.5 (MANE Select); coding-DNA position 1065, C replaced by G.
Protein change: p.Ser355=; no amino-acid change (serine 355 retained).
Molecular consequence: synonymous variant.
Genome position (GRCh38, 1-based): chr16:69,334,869, G>C on the plus strand (C>G on the coding strand, the complement: COG8 is on the minus strand). VCF-style: chr16-69334869-G-C. GRCh37 (hg19) VCF-style: chr16-69368772-G-C.
Other names: c.1065C>G, p.Ser355= (NM_001374871.1, NM_001379261.1, NM_001379262.1 and 4 more transcripts).
Identifiers: ClinVar variation 3257228 (VCV003257228.17).